The following is an entry in ClinVar:

ClinVar aggregate classification (germline): Uncertain significance (1 of 4 stars; one submission).

Allele frequency attached by ClinVar (database versions not stated): ExAC 0.00001; gnomAD 0.00001; gnomAD exomes 0.00001.
gnomAD v4.1: 27 of 1,614,078 alleles (0.0017%); highest among the groups gnomAD compares: African/African-American, 0.0027%; no homozygotes.

Submission:

Labcorp Genetics (formerly Invitae), Labcorp
Classification: Uncertain significance. Last evaluated: 2022-02-09. Review status: criteria provided, single submitter. Criteria: Invitae Variant Classification Sherloc (09022015). Collection method: clinical testing. Allele origin: germline.
Comment: In summary, the available evidence is currently insufficient to determine the role of this variant in disease. Therefore, it has been classified as a Variant of Uncertain Significance. Algorithms developed to predict the effect of missense changes on protein structure and function are either unavailable or do not agree on the potential impact of this missense change (SIFT: "Tolerated"; PolyPhen-2: "Probably Damaging"; Align-GVGD: "Class C0"). This variant has not been reported in the literature in individuals affected with LAMA1-related conditions. This variant is present in population databases (rs754074575, gnomAD 0.002%). This sequence change replaces tyrosine, which is neutral and polar, with cysteine, which is neutral and slightly polar, at codon 2804 of the LAMA1 protein (p.Tyr2804Cys).

NM_005559.4(LAMA1):c.8411A>G (p.Tyr2804Cys)

Gene: LAMA1 (laminin subunit alpha 1; minus strand). Cytogenetic location: 18p11.31.
Variant type: single nucleotide variant.
Coding change: c.8411A>G on transcript NM_005559.4 (MANE Select); coding-DNA position 8411, A replaced by G.
Protein change: p.Tyr2804Cys; replaces tyrosine 2804 with cysteine.
Molecular consequence: missense variant.
Genome position (GRCh38, 1-based): chr18:6,949,246, T>C on the plus strand (A>G on the coding strand, the complement: LAMA1 is on the minus strand). VCF-style: chr18-6949246-T-C. GRCh37 (hg19) VCF-style: chr18-6949245-T-C.
Other names: short protein forms Y2804C.
Identifiers: ClinVar variation 1364985 (VCV001364985.6), dbSNP rs754074575, ClinGen allele CA8880480.
Genomic context (GRCh38, chr18:6,949,246, plus strand): 5'-ACCACAGTCACCATGGGAGACTCTCGGCCGTCGACAGTTATGAAGCCTTTTCTTTTAACA[T>C]AGTCTGTCTTGACCTACAGCAAAGTGAAAACATGCATAATTTTTGAGGAATCTGAAAAAA-3'
Protein context (NP_005550.2, residues 2794-2814): DGKWHTVKTD[Tyr2804Cys]VKRKGFITVD